The following is an entry in ClinVar:

NM_000204.5(CFI):c.673G>A (p.Asp225Asn)

Gene: CFI (complement factor I; minus strand). Cytogenetic location: 4q25.
Variant type: single nucleotide variant.
Coding change: c.673G>A on transcript NM_000204.5 (MANE Select); coding-DNA position 673, G replaced by A.
Protein change: p.Asp225Asn; replaces aspartic acid 225 with asparagine.
Molecular consequence: missense variant. On other transcripts: non-coding transcript variant (3).
Genome position (GRCh38, 1-based): chr4:109,760,622, C>T on the plus strand (G>A on the coding strand, the complement: CFI is on the minus strand). VCF-style: chr4-109760622-C-T. GRCh37 (hg19) VCF-style: chr4-110681778-C-T.
Other names: c.673G>A, p.Asp225Asn (NM_001318057.2, NM_001331035.2, NM_001375278.1 and 10 more transcripts); c.64G>A, p.Asp22Asn (NM_001375284.1); short protein forms D225N, D22N.
Identifiers: ClinVar variation 4280450 (VCV004280450.1).
Genomic context (GRCh38, chr4:109,760,622, plus strand): 5'-TGATACCATCACAGGCTTTCATCTGAGAAATGTATTTCCCATTCACACACTGAAAGAAGT[C>T]ATCCATTGGAGAATCTGTAAAGCAGGAATTATCTTTGTGAAATTTATTTATGGAGTGGTG-3'
Protein context (NP_000195.3, residues 215-235): YTQKADSPMD[Asp225Asn]FFQCVNGKYI

ClinVar aggregate classification (germline): Uncertain significance (1 of 4 stars; one submission).

Conditions:
CFI-related disorder. Also called: CFI-related condition; CFI-related disorders. Identifiers: MedGen CN239325.

Submission:

Genomenon, Inc
Classification: Uncertain significance for CFI-related disorder. Last evaluated: 2025-09-26. Review status: criteria provided, single submitter. Criteria: Genomenon Sequence Variant Interpretation Standards - Updated. Collection method: curation. Allele origin: germline. Affected: no.
Comment: CFI p.Asp225Asn (c.673G>A) is a missense variant that changes the amino acid at residue 225 from Aspartic acid to Asparagine. To our knowledge, this variant has not been reported in patients affected with CFI-related disorders in the published literature. Functional studies have been reported; however, the significance of the findings remain unclear (PMID:20044478). It is absent or not present at a significant frequency in gnomAD. In silico models agree that this variant is not damaging. In conclusion, we classify CFI p.Asp225Asn (c.673G>A) as a variant of unknown significance.

Literature cited by the submitters: PubMed 20044478.